The following is an entry in ClinVar:

NM_031274.5(TEX13A):c.159A>C (p.Ile53=)

Genes: IL1RAPL2 (interleukin 1 receptor accessory protein like 2; plus strand), TEX13A (testis expressed 13A; minus strand). Cytogenetic location: Xq22.3.
Variant type: single nucleotide variant.
Coding change: c.159A>C on transcript NM_031274.5 (MANE Select); coding-DNA position 159, A replaced by C.
Protein change: p.Ile53=; no amino-acid change (isoleucine 53 retained).
Molecular consequence: synonymous variant. On other transcripts: intron variant (1).
Genome position (GRCh38, 1-based): chrX:105,220,239, T>G on the plus strand (A>C on the coding strand, the complement: TEX13A is on the minus strand). VCF-style: chrX-105220239-T-G. GRCh37 (hg19) VCF-style: chrX-104464923-T-G.
Other names: c.159A>C, p.Ile53= (NM_001291277.2); c.357-13579T>G (NM_017416.2).
Identifiers: ClinVar variation 2661122 (VCV002661122.24), dbSNP rs782379343, ClinGen allele CA10480524.
Genomic context (GRCh38, chrX:105,220,239, plus strand): 5'-GGCCAGGCTGCCCCAGGTGCAGGCCTCTTTGACCTCACTGGGCACCTCGCTGTCCTCCAG[T>G]ATGGCCCTCAGCTTGTCTTCCACCTTCTCCCAGGATAAGGATATATTCTCAAGATAGAAC-3'
Protein context (NP_112564.1, residues 43-63): WEKVEDKLRA[Ile53=]LEDSEVPSEV

ClinVar aggregate classification (germline): Likely benign (1 of 4 stars; one submission).

Allele frequency attached by ClinVar (database versions not stated): 1000 Genomes Project 30x 0.00021; ExAC 0.00021; 1000 Genomes Project 0.00026.
gnomAD v4.1: 209 of 1,210,085 alleles (0.017%); highest among the groups gnomAD compares: Non-Finnish European, 0.021%; no homozygotes.

Submission:

CeGaT Center for Human Genetics Tuebingen
Classification: Likely benign. Last evaluated: 2023-02-01. Review status: criteria provided, single submitter. Criteria: CeGaT Center For Human Genetics Tuebingen Variant Classification Criteria Version 2. Collection method: clinical testing. Allele origin: germline. Affected: yes. Observed: 1 variant allele.
Comment: TEX13A: BP4, BP7, BS2